The following is an entry in ClinVar:

ClinVar aggregate classification (germline): Uncertain significance (1 of 4 stars; one submission).

Submission:

Labcorp Genetics (formerly Invitae), Labcorp
Classification: Uncertain significance. Last evaluated: 2022-08-20. Review status: criteria provided, single submitter. Criteria: Invitae Variant Classification Sherloc (09022015). Collection method: clinical testing. Allele origin: germline.
Comment: This variant has not been reported in the literature in individuals affected with LRIT3-related conditions. Algorithms developed to predict the effect of missense changes on protein structure and function (SIFT, PolyPhen-2, Align-GVGD) all suggest that this variant is likely to be tolerated. In summary, the available evidence is currently insufficient to determine the role of this variant in disease. Therefore, it has been classified as a Variant of Uncertain Significance. This variant is not present in population databases (gnomAD no frequency). This sequence change replaces glutamic acid, which is acidic and polar, with lysine, which is basic and polar, at codon 482 of the LRIT3 protein (p.Glu482Lys).

NM_198506.5(LRIT3):c.1444G>A (p.Glu482Lys)

Gene: LRIT3 (leucine rich repeat, Ig-like and transmembrane domains 3; plus strand). Cytogenetic location: 4q25.
Variant type: single nucleotide variant.
Coding change: c.1444G>A on transcript NM_198506.5 (MANE Select); coding-DNA position 1444, G replaced by A.
Protein change: p.Glu482Lys; replaces glutamic acid 482 with lysine.
Molecular consequence: missense variant.
Genome position (GRCh38, 1-based): chr4:109,870,193, G>A. VCF-style: chr4-109870193-G-A. GRCh37 (hg19) VCF-style: chr4-110791349-G-A.
Other names: short protein forms E482K.
Identifiers: ClinVar variation 1934107 (VCV001934107.5), dbSNP rs2545589988, ClinGen allele CA357871299.